The following is an entry in ClinVar:

NM_001170629.2(CHD8):c.2245del (p.Leu748_Val749insTer)

Gene: CHD8 (chromodomain helicase DNA binding protein 8; minus strand). Cytogenetic location: 14q11.2.
Variant type: Deletion.
Coding change: c.2245del on transcript NM_001170629.2 (MANE Select); coding-DNA position 2245, one base deleted (G; older notation c.2245delG).
Protein change: p.Leu748_Val749insTer.
Molecular consequence: nonsense.
Genome position (GRCh38, 1-based): chr14:21,409,970, C deleted on the plus strand (G on the coding strand, the reverse complement: CHD8 is on the minus strand); the first of 2 consecutive C bases (chr14:21,409,970-21,409,971); deleting either gives the same sequence. VCF-style (leftmost placement, unchanged base first): chr14-21409969-AC-A. GRCh37 (hg19) VCF-style: chr14-21878128-AC-A.
Other names: c.1408del, p.Leu469_Val470insTer (NM_020920.4).
Identifiers: ClinVar variation 817589 (VCV000817589.1), dbSNP rs1594352987, ClinGen allele CA915948883.

ClinVar aggregate classification (germline): Pathogenic (1 of 4 stars; one submission).

Submission:

GeneDx
Classification: Pathogenic. Last evaluated: 2019-03-21. Review status: criteria provided, single submitter. Criteria: GeneDx Variant Classification (06012015). Collection method: clinical testing. Allele origin: germline. Affected: yes.
Comment: The c.2245delG variant in the CHD8 gene has not been reported previously as a pathogenic variant nor as a benign variant, to our knowledge. This variant replaces codon Valine 749 with a stop codon, denoted p.Val749Ter. This variant is predicted to cause loss of normal protein function either through protein truncation or nonsense-mediated mRNA decay. The c.2245delG variant is not observed in large population cohorts (Lek et al., 2016). We interpret c.2245delG as a pathogenic variant.